The following is an entry in ClinVar:

ClinVar aggregate classification (germline): Uncertain significance (1 of 4 stars; one submission).

Conditions:
Bohring-Opitz syndrome. Also called: C-LIKE SYNDROME; BOHRING SYNDROME; OPITZ TRIGONOCEPHALY-LIKE SYNDROME; ASXL1-Related Bohring-Opitz Syndrome. Identifiers: Orphanet 97297, MedGen C0796232, MONDO:0011510, OMIM 605039.

Submission:

Victorian Clinical Genetics Services, Murdoch Childrens Research Institute
Classification: Uncertain significance for Bohring-Opitz syndrome. Last evaluated: 2022-09-02. Review status: criteria provided, single submitter. Criteria: ACMG Guidelines, 2015. Collection method: clinical testing. Allele origin: germline. Inheritance: Autosomal dominant inheritance. Affected: yes.
Comment: Based on the classification scheme VCGS_Germline_v1.3.4, this variant is classified as VUS-3B. Following criteria are met: 0102 - Loss of function is a known mechanism of disease in this gene and is associated with Bohring-Opitz syndrome (MIM#605039). (I) 0107 - This gene is associated with autosomal dominant disease. (I) 0200 - Variant is predicted to result in a missense amino acid change from lysine to threonine. (I) 0251 - This variant is heterozygous. (I) 0301 - Variant is absent from gnomAD (both v2 and v3). (SP) 0502 - Missense variant with conflicting in silico predictions and uninformative conservation. (I) 0604 - Variant is not located in an established domain, motif, hotspot or informative constraint region. (I) 0705 - No comparable missense variants have previous evidence for pathogenicity. (I) 0807 - This variant has no previous evidence of pathogenicity. (I) 0905 - No published segregation evidence has been identified for this variant. (I) 1007 - No published functional evidence has been identified for this variant. (I) 1208 - Inheritance information for this variant is not currently available in this individual. (I) Legend: (SP) - Supporting pathogenic, (I) - Information, (SB) - Supporting benign

NM_015338.6(ASXL1):c.4136A>C (p.Lys1379Thr)

Gene: ASXL1 (ASXL transcriptional regulator 1; plus strand). Cytogenetic location: 20q11.21.
Variant type: single nucleotide variant.
Coding change: c.4136A>C on transcript NM_015338.6 (MANE Select); coding-DNA position 4136, A replaced by C.
Protein change: p.Lys1379Thr; replaces lysine 1379 with threonine.
Molecular consequence: missense variant.
Genome position (GRCh38, 1-based): chr20:32,436,848, A>C. VCF-style: chr20-32436848-A-C. GRCh37 (hg19) VCF-style: chr20-31024651-A-C.
Other names: c.3953A>C, p.Lys1318Thr (NM_001363734.1); short protein forms K1318T, K1379T.
Identifiers: ClinVar variation 1805958 (VCV001805958.1), dbSNP rs2515589875, ClinGen allele CA408564517.
Genomic context (GRCh38, chr20:32,436,848, plus strand): 5'-AGCCACATGCCTTTGTTGGCAGCGTCAAGAATGAGAAGACTTTTGTGGGGGGTCCTCTTA[A>C]GGCAAATGCCGAGAACAGGAAAGCTACTGGGCATAGTCCCCTGGAACTGGTGGGTCACTT-3'
Protein context (NP_056153.2, residues 1369-1389): NEKTFVGGPL[Lys1379Thr]ANAENRKATG